The following is an entry in ClinVar:

ClinVar aggregate classification (germline): Uncertain significance. Review status: criteria provided, multiple submitters, no conflicts (2 of 4 stars). 3 submissions from 3 submitters: Uncertain significance (2). 1 of the submissions does not count toward it. Last evaluated 2025-08-12.

Conditions:
Cardiovascular phenotype. Identifiers: MedGen CN230736.
Noonan syndrome (NS). Also called: Noonan's syndrome. Identifiers: Orphanet 648, MedGen C0028326, MeSH D009634, MONDO:0018997. Disease mechanism: gain of function.
Noonan syndrome 8 (NS8). Identifiers: Orphanet 648, MedGen C3809233, MONDO:0014143, OMIM 615355.

Allele frequency attached by ClinVar (database versions not stated): gnomAD exomes below 0.00001.
gnomAD v4.1: 5 of 1,613,932 alleles (0.00031%); highest among the groups gnomAD compares: Non-Finnish European, 0.00034%; no homozygotes.

Submissions (3):

Ambry Genetics
Classification: Uncertain significance for Cardiovascular phenotype. Last evaluated: 2025-08-12. Review status: criteria provided, single submitter. Criteria: Ambry Variant Classification Scheme 2023. Collection method: clinical testing. Allele origin: germline.
Comment: The p.R105C variant (also known as c.313C>T), located in coding exon 4 of the RIT1 gene, results from a C to T substitution at nucleotide position 313. The arginine at codon 105 is replaced by cysteine, an amino acid with highly dissimilar properties. This variant was reported in individual(s) with features consistent with hypertrophic cardiomyopathy (Ambry internal data). This amino acid position is well conserved in available vertebrate species. In addition, this alteration is predicted to be deleterious by in silico analysis. Based on the available evidence, the clinical significance of this variant remains unclear.

Labcorp Genetics (formerly Invitae), Labcorp
Classification: Uncertain significance for Noonan syndrome 8. Last evaluated: 2022-02-20. Review status: criteria provided, single submitter. Criteria: Invitae Variant Classification Sherloc (09022015). Collection method: clinical testing. Allele origin: germline.
Comment: In summary, the available evidence is currently insufficient to determine the role of this variant in disease. Therefore, it has been classified as a Variant of Uncertain Significance. Algorithms developed to predict the effect of missense changes on protein structure and function (SIFT, PolyPhen-2, Align-GVGD) all suggest that this variant is likely to be disruptive. ClinVar contains an entry for this variant (Variation ID: 981605). This variant has not been reported in the literature in individuals affected with RIT1-related conditions. This variant is not present in population databases (gnomAD no frequency). This sequence change replaces arginine, which is basic and polar, with cysteine, which is neutral and slightly polar, at codon 105 of the RIT1 protein (p.Arg105Cys).

Service de Génétique Moléculaire, Hôpital Robert Debré
Classification: Likely benign for Noonan syndrome. Review status: no assertion criteria provided. Collection method: clinical testing. Allele origin: maternal. Affected: no. Not counted in ClinVar's aggregate classification.

NM_006912.6(RIT1):c.313C>T (p.Arg105Cys)

Gene: RIT1 (Ras like without CAAX 1; minus strand). Cytogenetic location: 1q22.
Variant type: single nucleotide variant.
Coding change: c.313C>T on transcript NM_006912.6 (MANE Select); coding-DNA position 313, C replaced by T.
Protein change: p.Arg105Cys; replaces arginine 105 with cysteine.
Molecular consequence: missense variant.
Genome position (GRCh38, 1-based): chr1:155,904,427, G>A on the plus strand (C>T on the coding strand, the complement: RIT1 is on the minus strand). VCF-style: chr1-155904427-G-A. GRCh37 (hg19) VCF-style: chr1-155874218-G-A.
Other names: c.313C>T (NM_006912.4); c.205C>T, p.Arg69Cys (NM_001256820.2); c.364C>T, p.Arg122Cys (NM_001256821.2); short protein forms R105C, R122C, R69C.
Identifiers: ClinVar variation 981605 (VCV000981605.6), dbSNP rs2527180386, ClinGen allele CA342802576.